The following is an entry in ClinVar:

NM_000540.3(RYR1):c.13609_13631dup (p.Val4547fs)

Gene: RYR1 (ryanodine receptor 1; plus strand). Cytogenetic location: 19q13.2.
Variant type: Duplication.
Coding change: c.13609_13631dup on transcript NM_000540.3 (MANE Select); coding-DNA positions 13609 to 13631, 23 bases duplicated (GCTGGAGGCGAATTCTGGGGAGA).
Protein change: p.Val4547fs; shifts the reading frame from valine 4547.
Molecular consequence: frameshift variant.
Genome position (GRCh38, 1-based): chr19:38,567,867-38,567,889, GCTGGAGGCGAATTCTGGGGAGA duplicated; duplicating any 23 consecutive bases within chr19:38,567,866-38,567,889 gives the same sequence; the c. name uses the placement nearest the transcript's 3' end. VCF-style (leftmost placement, unchanged base first): chr19-38567865-A-AAGCTGGAGGCGAATTCTGGGGAG. GRCh37 (hg19) VCF-style: chr19-39058505-A-AAGCTGGAGGCGAATTCTGGGGAG.
Other names: c.13594_13616dup, p.Val4542fs (NM_001042723.2); short protein forms V4542fs, V4547fs.
Identifiers: ClinVar variation 648559 (VCV000648559.8), dbSNP rs1599641280, ClinGen allele CA915953037.
Genomic context (GRCh38, chr19:38,567,865, plus strand): 5'-AGCCCACACCAGAGCCCCCCAAGAAGCAAGCACCTCCCTCACCCCCTCCAAAGAAGGAGG[A>AAGCTGGAGGCGAATTCTGGGGAG]AGCTGGAGGCGAATTCTGGGGAGAACTGGAGGTGCAGAGGGTGAAGTTCCTGGTAAGGAT-3'

ClinVar aggregate classification (germline): Pathogenic/Likely pathogenic. Review status: criteria provided, multiple submitters, no conflicts (2 of 4 stars). 2 submissions from 2 submitters: Pathogenic (1); Likely pathogenic (1). Last evaluated 2023-02-14.

Conditions:
RYR1-related disorder. Also called: RYR1-related disorders; RYR1-related condition. Identifiers: MedGen CN239331.

Submissions (2):

Revvity Omics, Revvity
Classification: Likely pathogenic. Last evaluated: 2023-02-14. Review status: criteria provided, single submitter. Criteria: ACMG Guidelines, 2015. Collection method: clinical testing. Allele origin: germline.

Labcorp Genetics (formerly Invitae), Labcorp
Classification: Pathogenic for RYR1-related disorder. Last evaluated: 2018-08-28. Review status: criteria provided, single submitter. Criteria: Invitae Variant Classification Sherloc (09022015). Collection method: clinical testing. Allele origin: germline.
Comment: This variant has not been reported in the literature in individuals with RYR1-related disease. For these reasons, this variant has been classified as Pathogenic. Loss-of-function variants in RYR1 are known to be pathogenic (PMID: 20583297, 23919265). This variant is not present in population databases (ExAC no frequency). This sequence change creates a premature translational stop signal (p.Val4547Alafs*12) in the RYR1 gene. It is expected to result in an absent or disrupted protein product.

Literature cited by the submitters: PubMed 20583297 (cited by Labcorp Genetics (formerly Invitae), Labcorp); PubMed 23919265 (cited by Labcorp Genetics (formerly Invitae), Labcorp).